The following is an entry in ClinVar:

ClinVar aggregate classification (germline): Likely pathogenic (1 of 4 stars; one submission).

Allele frequency attached by ClinVar (database versions not stated): gnomAD exomes below 0.00001.
gnomAD v4.1: 1 of 1,613,682 alleles (0.000062%); highest among the groups gnomAD compares: Non-Finnish European, 0.000085%; no homozygotes.

Submission:

GeneDx
Classification: Likely pathogenic. Last evaluated: 2015-11-25. Review status: criteria provided, single submitter. Criteria: GeneDx Variant Classification (06012015). Collection method: clinical testing. Allele origin: germline. Affected: yes.
Comment: c.991-1G>C: IVS8-1G>C in intron 8 in the ACTA2 gene (NM_001613.2). The c.991-1 G>C variant in the ACTA2 gene has not been reported previously as a disease-causing mutation nor as a benign polymorphism, to our knowledge. This splice site variant destroys the canonical splice acceptor site in intron 8. It is predicted to cause abnormal gene splicing, either leading to an abnormal message that is subject to nonsense-mediated mRNA decay, or to an abnormal protein product if the message is used for protein translation. The c.991-1 G>C variant was not observed in approximately 6,500 individuals of European and African American ancestry in the NHLBI Exome Sequencing Project, indicating it is not a common benign variant in these populations. The c.991-1 G>C variant is a good candidate for a disease-causing mutation, however the possibility it may be a rare benign variant cannot be excluded. The variant is found in ACTA2 panel(s).

NM_001613.4(ACTA2):c.991-1G>C

Genes: ACTA2 (actin alpha 2, smooth muscle; minus strand), ACTA2-AS1 (ACTA2 antisense RNA 1; plus strand). Cytogenetic location: 10q23.31.
Variant type: single nucleotide variant.
Coding change: c.991-1G>C on transcript NM_001613.4 (MANE Select); the canonical splice acceptor site of the intron before coding-DNA position 991, G replaced by C.
Molecular consequence: splice acceptor variant. On other transcripts: non-coding transcript variant (1).
Genome position (GRCh38, 1-based): chr10:88,935,367, C>G on the plus strand (G>C on the coding strand, the complement: ACTA2 is on the minus strand). VCF-style: chr10-88935367-C-G. GRCh37 (hg19) VCF-style: chr10-90695124-C-G.
Other names: c.862-1G>C (NM_001406467.1, NM_001406468.1, NM_001406469.1); c.991-1G>C (NM_001320855.2, NM_001406462.1, NM_001141945.3 and 2 more transcripts); c.799-1G>C (NM_001406471.1); c.880-1G>C (NM_001406466.1).
Identifiers: ClinVar variation 199678 (VCV000199678.4), dbSNP rs794728031, ClinGen allele CA007075.
Genomic context (GRCh38, chr10:88,935,367, plus strand): 5'-AGAGGCCAGGATGGAGCCACCGATCCAGACAGAGTATTTGCGCTCCGGAGGGGCAATGAT[C>G]TGTCAGTCAAGATGAAAAAGAATGGTCATTAATGTCATCATTAGTGCAGTCGTTAGTGCG-3'